The following is an entry in ClinVar:

ClinVar aggregate classification (germline): Conflicting classifications of pathogenicity. Review status: criteria provided, conflicting classifications (1 of 4 stars). 2 submissions from 2 submitters: Uncertain significance (1); Likely benign (1). Last evaluated 2024-08-01.

Allele frequency attached by ClinVar (database versions not stated): TOPMed below 0.00001; gnomAD 0.00001; gnomAD exomes 0.00003; ExAC 0.00006.
gnomAD v4.1: 9 of 1,550,188 alleles (0.00058%); highest among the groups gnomAD compares: Admixed American, 0.012%; no homozygotes.

Submissions (2):

CeGaT Center for Human Genetics Tuebingen
Classification: Uncertain significance. Last evaluated: 2024-08-01. Review status: criteria provided, single submitter. Criteria: CeGaT Center For Human Genetics Tuebingen Variant Classification Criteria Version 2. Collection method: clinical testing. Allele origin: germline. Affected: yes. Observed: 1 variant allele.
Comment: KCNA2: PP2, BP4

GeneDx
Classification: Likely benign. Last evaluated: 2020-01-03. Review status: criteria provided, single submitter. Criteria: GeneDx Variant Classification Process June 2021. Collection method: clinical testing. Allele origin: germline. Affected: yes.

NM_004974.4(KCNA2):c.*1245G>A

Gene: KCNA2 (potassium voltage-gated channel subfamily A member 2; minus strand). Cytogenetic location: 1p13.3.
Variant type: single nucleotide variant.
Coding change: c.*1245G>A on transcript NM_004974.4 (MANE Select); 1245 bases downstream of the stop codon, G replaced by A.
Molecular consequence: 3 prime UTR variant. On other transcripts: missense variant (1).
Genome position (GRCh38, 1-based): chr1:110,602,038, C>T on the plus strand (G>A on the coding strand, the complement: KCNA2 is on the minus strand). VCF-style: chr1-110602038-C-T. GRCh37 (hg19) VCF-style: chr1-111144660-C-T.
Other names: c.1027G>A, p.Asp343Asn (NM_001204269.2); short protein forms D343N.
Identifiers: ClinVar variation 392819 (VCV000392819.19), dbSNP rs756992381, ClinGen allele CA1000595.